The following is an entry in ClinVar:

ClinVar aggregate classification (germline): Uncertain significance (1 of 4 stars; one submission).

Conditions:
Myasthenic syndrome, congenital, 22 (CMS22). Also called: PREPL DEFICIENCY. Identifiers: MedGen C4479088, MONDO:0044299, OMIM 616224.

Submission:

Labcorp Genetics (formerly Invitae), Labcorp
Classification: Uncertain significance for Myasthenic syndrome, congenital, 22. Last evaluated: 2020-12-19. Review status: criteria provided, single submitter. Criteria: Invitae Variant Classification Sherloc (09022015). Collection method: clinical testing. Allele origin: germline.
Comment: This variant is not present in population databases (ExAC no frequency). This sequence change replaces tyrosine with serine at codon 302 of the PREPL protein (p.Tyr302Ser). The tyrosine residue is moderately conserved and there is a large physicochemical difference between tyrosine and serine. This variant has not been reported in the literature in individuals with PREPL-related conditions. Algorithms developed to predict the effect of missense changes on protein structure and function are either unavailable or do not agree on the potential impact of this missense change (SIFT: "Deleterious"; PolyPhen-2: "Possibly Damaging"; Align-GVGD: "Class C0"). In summary, the available evidence is currently insufficient to determine the role of this variant in disease. Therefore, it has been classified as a Variant of Uncertain Significance.

NM_001171613.2(PREPL):c.638A>C (p.Tyr213Ser)

Gene: PREPL (prolyl endopeptidase like; minus strand). Cytogenetic location: 2p21.
Variant type: single nucleotide variant.
Coding change: c.638A>C on transcript NM_001171613.2 (MANE Select); coding-DNA position 638, A replaced by C.
Protein change: p.Tyr213Ser; replaces tyrosine 213 with serine.
Molecular consequence: missense variant.
Genome position (GRCh38, 1-based): chr2:44,339,211, T>G on the plus strand (A>C on the coding strand, the complement: PREPL is on the minus strand). VCF-style: chr2-44339211-T-G. GRCh37 (hg19) VCF-style: chr2-44566350-T-G.
Other names: c.905A>C, p.Tyr302Ser (NM_001042385.2, NM_001042386.2, NM_001171603.1 and 4 more transcripts); c.638A>C, p.Tyr213Ser (NM_001171617.1, NM_001374277.1); short protein forms Y213S, Y302S.
Identifiers: ClinVar variation 1479753 (VCV001479753.8), dbSNP rs947243243, ClinGen allele CA346691917.